The following is an entry in ClinVar:

NM_206933.4(USH2A):c.5438_5443del (p.Ser1813_Ser1815delinsCys)

Genes: USH2A-AS2 (USH2A antisense RNA 2; plus strand), USH2A (usherin; minus strand). Cytogenetic location: 1q41.
Variant type: Deletion.
Coding change: c.5438_5443del on transcript NM_206933.4 (MANE Select); coding-DNA positions 5438 to 5443, 6 bases deleted (CAGCAA; older notation c.5438_5443delCAGCAA).
Protein change: p.Ser1813_Ser1815delinsCys.
Molecular consequence: inframe indel.
Genome position (GRCh38, 1-based): chr1:216,078,218-216,078,223, TTGCTG deleted on the plus strand (CAGCAA on the coding strand, the reverse complement: USH2A is on the minus strand). VCF-style (leftmost placement, unchanged base first): chr1-216078217-CTTGCTG-C. GRCh37 (hg19) VCF-style: chr1-216251559-CTTGCTG-C.
Other names: c.5438_5443del (NM_206933.2); c.5438_5443delCAGCAA (NM_206933.3).
Identifiers: ClinVar variation 556843 (VCV000556843.19), dbSNP rs752992414, ClinGen allele CA1395450.
Genomic context (GRCh38, chr1:216,078,217, plus strand): 5'-GAATTCACCACCAGTGGCTGGTCTCCGGACTCCGATGCATGCTTCATCAGTCCATTCACA[CTTGCTG>C]ATATGAAAGAGCCTTCCTTTTTAATAATGACTTTATTCCACTTTCCATTACAATAGGATA-3'

ClinVar aggregate classification (germline): Pathogenic/Likely pathogenic. Review status: criteria provided, multiple submitters, no conflicts (2 of 4 stars). 7 submissions from 7 submitters: Pathogenic (2); Likely pathogenic (4). 1 of the submissions does not count toward it. Last evaluated 2025-10-21.

Conditions:
USH2A-related disorder. Also called: USH2A-related disorders; USH2A-related condition. Identifiers: MedGen CN239332.
Retinal dystrophy. Also called: Inherited retinal dystrophy. Identifiers: Orphanet 71862, MedGen C0854723, MeSH D058499, MONDO:0019118, HP:0000556.
Usher syndrome type 2A. Also called: RETINAL DISEASE IN USHER SYNDROME TYPE IIA, MODIFIER OF; USHER SYNDROME, TYPE IIA. Identifiers: Orphanet 231178, Orphanet 886, MedGen C1848634, MONDO:0010169, OMIM 276901.
Retinitis pigmentosa 39 (RP39). Identifiers: Orphanet 791, MedGen C3151138, MONDO:0013436, OMIM 613809.

Allele frequency attached by ClinVar (database versions not stated): gnomAD exomes below 0.00001 and 0.00001; ExAC 0.00001; gnomAD 0.00001.

Submissions (7):

Natera, Inc.
Classification: Likely pathogenic for Usher syndrome type 2A. Last evaluated: 2025-10-21. Review status: criteria provided, single submitter. Criteria: Natera Variant Classification Schema (03/2026). Collection method: clinical testing. Allele origin: germline.
Comment: The c.5438_5443del variant in USH2A is an in-frame deletion. This variant is rare in the general population with a frequency below the threshold expected for the associated phenotype(s). This variant has been observed in one or more individuals affected with the associated recessive disease, as either homozygous or compound heterozygous with a second variant (PMID: 33576794, 32467589). This variant results in a change to the protein length while preserving reading frame, which may disrupt normal protein structure or function. Given the available evidence, this variant is classified as Likely Pathogenic.

Fulgent Genetics
Classification: Likely pathogenic for Usher syndrome type 2A; Retinitis pigmentosa 39. Last evaluated: 2024-05-29. Review status: criteria provided, single submitter. Criteria: ACMG Guidelines, 2015. Collection method: clinical testing. Allele origin: germline.

Baylor Genetics
Classification: Likely pathogenic for Retinitis pigmentosa 39. Last evaluated: 2024-01-05. Review status: criteria provided, single submitter. Criteria: ACMG Guidelines, 2015. Collection method: clinical testing. Allele origin: unknown.

Labcorp Genetics (formerly Invitae), Labcorp
Classification: Pathogenic. Last evaluated: 2024-01-02. Review status: criteria provided, single submitter. Criteria: Invitae Variant Classification Sherloc (09022015). Collection method: clinical testing. Allele origin: germline.
Comment: This variant, c.5438_5443del, is a complex sequence change that results in the deletion of 3 and insertion of 1 amino acid(s) in the USH2A protein (p.Ser1813_Ser1815delinsCys). This variant is present in population databases (rs752992414, gnomAD 0.002%). This variant has been observed in individual(s) with clinical features of Usher syndrome (PMID: 32467589, 33576794; Invitae). In at least one individual the data is consistent with being in trans (on the opposite chromosome) from a pathogenic variant. ClinVar contains an entry for this variant (Variation ID: 556843). For these reasons, this variant has been classified as Pathogenic.

Blueprint Genetics
Classification: Pathogenic for USH2A-related disorders. Last evaluated: 2022-05-11. Review status: criteria provided, single submitter. Criteria: ACMG Guidelines, 2015. Collection method: clinical testing. Allele origin: germline. Affected: yes. Observed: 4 variant alleles.

Institute of Human Genetics, Univ. Regensburg, Univ. Regensburg
Classification: Likely pathogenic for Retinal dystrophy. Last evaluated: 2016-01-01. Review status: criteria provided, single submitter. Criteria: ACMG Guidelines, 2015. Collection method: clinical testing. Allele origin: germline. Affected: yes.

Counsyl
Classification: Uncertain significance for Usher syndrome type 2A; Retinitis pigmentosa 39. Last evaluated: 2018-02-21. Review status: no assertion criteria provided. Collection method: clinical testing. Allele origin: unknown. Not counted in ClinVar's aggregate classification.

Literature cited by the submitters: PubMed 33576794 (cited by 3 submitters); PubMed 32467589 (cited by 3 submitters); PubMed 36460718 (cited by Institute of Human Genetics, Univ. Regensburg, Univ. Regensburg).